The following is an entry in ClinVar:

NM_001267550.2(TTN):c.101953G>T (p.Glu33985Ter)

Genes: TTN (titin; minus strand), TTN-AS1 (TTN antisense RNA 1; plus strand). Cytogenetic location: 2q31.2.
Variant type: single nucleotide variant.
Coding change: c.101953G>T on transcript NM_001267550.2 (MANE Select); coding-DNA position 101953, G replaced by T.
Protein change: p.Glu33985Ter; replaces glutamic acid 33985 with a stop codon.
Molecular consequence: nonsense.
Genome position (GRCh38, 1-based): chr2:178,534,662, C>A on the plus strand (G>T on the coding strand, the complement: TTN is on the minus strand). VCF-style: chr2-178534662-C-A. GRCh37 (hg19) VCF-style: chr2-179399389-C-A.
Other names: c.74758G>T, p.Glu24920Ter (NM_003319.4); c.94249G>T, p.Glu31417Ter (NM_133378.4); c.75133G>T, p.Glu25045Ter (NM_133432.3); c.75334G>T, p.Glu25112Ter (NM_133437.4); c.97030G>T, p.Glu32344Ter (NM_001256850.1); c.101953G>T (NM_001267550.1); short protein forms E32344*, E33985*, E25045*, E31417*, E24920*, E25112*.
Identifiers: ClinVar variation 620236 (VCV000620236.10), dbSNP rs534613934, ClinGen allele CA349418799.

ClinVar aggregate classification (germline): Likely pathogenic. Review status: criteria provided, multiple submitters, no conflicts (2 of 4 stars). 3 submissions from 3 submitters: Likely pathogenic (3). Last evaluated 2026-08-26.

Conditions:
Autosomal recessive limb-girdle muscular dystrophy type 2J (LGMDR10). Also called: Limb-girdle muscular dystrophy, type 2J; MUSCULAR DYSTROPHY, LIMB-GIRDLE, AUTOSOMAL RECESSIVE 10. Identifiers: Orphanet 140922, MedGen C1837342, MONDO:0012127, OMIM 608807.
Dilated cardiomyopathy 1G (CMD1G). Identifiers: Orphanet 154, MedGen C1858763, MONDO:0011400, OMIM 604145.
Cardiovascular phenotype. Identifiers: MedGen CN230736.

gnomAD v4.1: 1 of 1,613,628 alleles (0.000062%); highest among the groups gnomAD compares: Admixed American, 0.0017%; no homozygotes.

Submissions (3):

Ambry Genetics
Classification: Likely pathogenic for Cardiovascular phenotype. Last evaluated: 2026-08-26. Review status: criteria provided, single submitter. Criteria: Ambry Variant Classification Scheme 2023. Collection method: clinical testing. Allele origin: germline.
Comment: The p.E24920* variant (also known as c.74758G>T), located in coding exon 185 of the TTN gene, results from a G to T substitution at nucleotide position 74758. This changes the amino acid from a glutamic acid to a stop codon within coding exon 185. This exon is located in the M-band region of the N2-B isoform of the titin protein and is constitutively expressed in TTN transcripts (percent spliced in or PSI 100%). This variant is considered to be rare based on population cohorts in the Genome Aggregation Database (gnomAD). This variant is expected to result in loss of function by premature protein truncation or nonsense-mediated mRNA decay. While truncating variants in TTN are present in 1-3% of the general population, truncating variants in the M-band have been reported in association with autosomal recessive titinopathies, primarily presenting with skeletal myopathy phenotypes (Ceyhan-Birsoy O et al. Neurology. 2013 Oct 1;81(14):1205-14; De Cid R et al. Neurology. 2015;85(24):2126-35). Truncating variants in coding exon 185 of the M-band of the N2-B isoform have also been specifically associated with autosomal dominant dilated cardiomyopathy (Vatta M et al. Circ GenomPrecis Med. 2025 Feb:e004982). More generally, TTN truncating variants encoded in constitutive exons (PSI >90%) have been found to be significantly associated with dilated cardiomyopathy (DCM) regardless of their position, although truncating variants in the A-band are the most common cause of DCM (Herman DS et al. N. Engl. J. Med., 2012 Feb;366:619-28; Roberts AM et al. Sci Transl Med, 2015 Jan;7:270ra6; Schafer S et al. Nat. Genet., 2017 01;49:46-53; Akhtar MM et al. Circ Heart Fail, 2020 Oct;13:e006832; Massier M et al. Clin Genet, 2025 Jan). Based on the majority of available evidence to date, this variant is likely to be pathogenic.

Labcorp Genetics (formerly Invitae), Labcorp
Classification: Likely pathogenic for Dilated cardiomyopathy 1G; Autosomal recessive limb-girdle muscular dystrophy type 2J. Last evaluated: 2025-12-14. Review status: criteria provided, single submitter. Criteria: Invitae Variant Classification Sherloc (09022015). Collection method: clinical testing. Allele origin: germline.
Comment: This sequence change creates a premature translational stop signal (p.Glu33985*) in the TTN gene. While this is not anticipated to result in nonsense mediated decay, it is expected to create a truncated TTN protein. This variant is not present in population databases (gnomAD no frequency). This variant has not been reported in the literature in individuals affected with TTN-related conditions. ClinVar contains an entry for this variant (Variation ID: 620236). This variant is located in the M band of TTN (PMID: 25589632). Truncating variants in this region have been previously reported in individuals affected with autosomal dominant or autosomal recessive myopathy and muscular dystrophy (PMID: 18948003, 23975875, 24395473). Truncating variants in this region have also been identified in individuals affected with autosomal dominant dilated cardiomyopathy and/or cardio-related conditions (PMID: 27869827, 32964742, internal data). In summary, the currently available evidence indicates that the variant is pathogenic, but additional data are needed to prove that conclusively. Therefore, this variant has been classified as Likely Pathogenic.

GeneDx
Classification: Likely pathogenic. Last evaluated: 2025-05-22. Review status: criteria provided, single submitter. Criteria: GeneDx Variant Classification Process June 2021. Collection method: clinical testing. Allele origin: germline. Affected: yes.
Comment: Nonsense variant predicted to result in protein truncation or nonsense mediated decay in a gene for which loss of function is a known mechanism of disease; Located in the M-band, a region of TTN for which truncating variants are significantly associated with autosomal recessive skeletal myopathies and also with autosomal dominant cardiomyopathy (PMID: 17444505, 32778822, 36637017); Not observed at significant frequency in large population cohorts (gnomAD); Has not been previously published as pathogenic or benign to our knowledge; This variant is associated with the following publications: (PMID: 17444505, 32778822, 36637017)

Literature cited by the submitters: PubMed 25589632 (cited by Labcorp Genetics (formerly Invitae), Labcorp); PubMed 18948003 (cited by Labcorp Genetics (formerly Invitae), Labcorp); PubMed 23975875 (cited by Labcorp Genetics (formerly Invitae), Labcorp); PubMed 24395473 (cited by Labcorp Genetics (formerly Invitae), Labcorp); PubMed 27869827 (cited by Labcorp Genetics (formerly Invitae), Labcorp); PubMed 32964742 (cited by Labcorp Genetics (formerly Invitae), Labcorp).